The following is an entry in ClinVar:

NM_002335.4(LRP5):c.2084G>C (p.Ser695Thr)

Gene: LRP5 (LDL receptor related protein 5; plus strand). Cytogenetic location: 11q13.2.
Variant type: single nucleotide variant.
Coding change: c.2084G>C on transcript NM_002335.4 (MANE Select); coding-DNA position 2084, G replaced by C.
Protein change: p.Ser695Thr; replaces serine 695 with threonine.
Molecular consequence: missense variant.
Genome position (GRCh38, 1-based): chr11:68,406,806, G>C. VCF-style: chr11-68406806-G-C. GRCh37 (hg19) VCF-style: chr11-68174274-G-C.
Other names: c.341G>C, p.Ser114Thr (NM_001291902.2); short protein forms S114T, S695T.
Identifiers: ClinVar variation 1371037 (VCV001371037.6), dbSNP rs2153164715, ClinGen allele CA381615929.
Genomic context (GRCh38, chr11:68,406,806, plus strand): 5'-AGGAGGCCTCAGCCCTGGACTTTGATGTGTCCAACAACCACATCTACTGGACAGACGTCA[G>C]CCTGAAGGTAGCGTGGGCCAGAACGTGCACACAGGCAGCCTTTATGGGAAAACCTTGCCT-3'
Protein context (NP_002326.2, residues 685-705): SNNHIYWTDV[Ser695Thr]LKTISRAFMN

ClinVar aggregate classification (germline): Uncertain significance (1 of 4 stars; one submission).

Submission:

Labcorp Genetics (formerly Invitae), Labcorp
Classification: Uncertain significance. Last evaluated: 2022-06-13. Review status: criteria provided, single submitter. Criteria: Invitae Variant Classification Sherloc (09022015). Collection method: clinical testing. Allele origin: germline.
Comment: In summary, the available evidence is currently insufficient to determine the role of this variant in disease. Therefore, it has been classified as a Variant of Uncertain Significance. Advanced modeling of protein sequence and biophysical properties (such as structural, functional, and spatial information, amino acid conservation, physicochemical variation, residue mobility, and thermodynamic stability) performed at Invitae indicates that this missense variant is not expected to disrupt LRP5 protein function. This variant has not been reported in the literature in individuals affected with LRP5-related conditions. This variant is not present in population databases (gnomAD no frequency). This sequence change replaces serine, which is neutral and polar, with threonine, which is neutral and polar, at codon 695 of the LRP5 protein (p.Ser695Thr).